The following is an entry in ClinVar:

NM_001378452.1(ITPR1):c.829A>G (p.Ser277Gly)

Gene: ITPR1 (inositol 1,4,5-trisphosphate receptor type 1; plus strand). Cytogenetic location: 3p26.1.
Variant type: single nucleotide variant.
Coding change: c.829A>G on transcript NM_001378452.1 (MANE Select); coding-DNA position 829, A replaced by G.
Protein change: p.Ser277Gly; replaces serine 277 with glycine.
Molecular consequence: missense variant.
Genome position (GRCh38, 1-based): chr3:4,645,702, A>G. VCF-style: chr3-4645702-A-G. GRCh37 (hg19) VCF-style: chr3-4687386-A-G.
Other names: c.829A>G, p.Ser277Gly (NM_001168272.2, NM_001099952.4, NM_002222.7); short protein forms S277G.
Identifiers: ClinVar variation 633277 (VCV000633277.2), dbSNP rs1559603629, ClinGen allele CA351636911.

ClinVar aggregate classification (germline): Conflicting classifications of pathogenicity. Review status: criteria provided, conflicting classifications (1 of 4 stars). 2 submissions from 2 submitters: Likely pathogenic (1); Uncertain significance (1). Last evaluated 2023-10-02.

Submissions (2):

ARUP Laboratories, Molecular Genetics and Genomics, ARUP Laboratories
Classification: Likely pathogenic. Last evaluated: 2023-10-02. Review status: criteria provided, single submitter. Criteria: ARUP Molecular Germline Variant Investigation Process 2024. Collection method: clinical testing. Allele origin: germline.
Comment: The ITPR1 c.829A>G; p.Ser277Gly variant, to our knowledge, is not reported in the medical literature but is reported in ClinVar (Variation ID: 633277). This variant is also absent from the Genome Aggregation Database (v2.1.1), indicating it is not a common polymorphism. Computational analyses predict that this variant is deleterious (REVEL: 0.803). Other variants at this codon (Ser277Arg, Ser277Ile) have been reported de novo in individuals with features of ITPR1-related disorders including gross motor delay, cognitive impairment, and ataxia (Fogel 2014, Zachou 2022, Zambonin 2017). Based on available information, the p.Ser277Gly variant is considered to be likely pathogenic. References: Fogel BL et al. Exome sequencing in the clinical diagnosis of sporadic or familial cerebellar ataxia. JAMA Neurol. 2014 Oct;71(10):1237-46. PMID: 25133958. Zachou A et al. Retrocollis as the cardinal feature in a de novo ITRP1 variant. Brain Dev. 2022 May;44(5):347-352. PMID: 35148930. Zambonin JL et al. Spinocerebellar ataxia type 29 due to mutations in ITPR1: a case series and review of this emerging congenital ataxia. Orphanet J Rare Dis. 2017 Jun 28;12(1):121. PMID: 28659154.

Women's Health and Genetics/Laboratory Corporation of America, LabCorp
Classification: Uncertain significance. Last evaluated: 2018-07-20. Review status: criteria provided, single submitter. Criteria: LabCorp Variant Classification Summary - May 2015. Collection method: clinical testing. Allele origin: germline.
Comment: Variant summary: ITPR1 c.829A>G (p.Ser277Gly) results in a non-conservative amino acid change located in the IP3-binding domain (MIR motif) of the encoded protein sequence. Five of five in-silico tools predict a damaging effect of the variant on protein function. The variant was absent in 117004 control chromosomes (ExAC). The available data on variant occurrences in the general population are insufficient to allow any conclusion about variant significance. To our knowledge, no occurrence of c.829A>G in individuals affected with Spinocerebellar ataxia 29 and no experimental evidence demonstrating its impact on protein function have been reported. No clinical diagnostic laboratories have submitted clinical-significance assessments for this variant to ClinVar after 2014. Based on the evidence outlined above, the variant was classified as uncertain significance.